The following is an entry in ClinVar:

ClinVar aggregate classification (germline): Likely pathogenic (1 of 4 stars; one submission).

Conditions:
Usher syndrome type 2A. Also called: RETINAL DISEASE IN USHER SYNDROME TYPE IIA, MODIFIER OF; USHER SYNDROME, TYPE IIA. Identifiers: Orphanet 231178, Orphanet 886, MedGen C1848634, MONDO:0010169, OMIM 276901.

Submission:

Myriad Genetics, Inc.
Classification: Likely pathogenic for Usher syndrome type 2A. Last evaluated: 2021-12-21. Review status: criteria provided, single submitter. Criteria: Myriad Women's Health Autosomal Recessive and X-Linked Classification Criteria (2021). Collection method: clinical testing. Allele origin: unknown.
Comment: NM_206933.2(USH2A):c.13301C>A(S4434*) is expected to be pathogenic in the context of USH2A-related disorders. This variant is predicted to lead to an abnormal or absent protein product due to the creation of a premature termination codon in USH2A, a gene where loss-of-function variants are known to be pathogenic. Please note: this variant was assessed in the context of healthy population screening.

NM_206933.4(USH2A):c.13301C>A (p.Ser4434Ter)

Gene: USH2A (usherin; minus strand). Cytogenetic location: 1q41.
Variant type: single nucleotide variant.
Coding change: c.13301C>A on transcript NM_206933.4 (MANE Select); coding-DNA position 13301, C replaced by A.
Protein change: p.Ser4434Ter; replaces serine 4434 with a stop codon.
Molecular consequence: nonsense.
Genome position (GRCh38, 1-based): chr1:215,674,610, G>T on the plus strand (C>A on the coding strand, the complement: USH2A is on the minus strand). VCF-style: chr1-215674610-G-T. GRCh37 (hg19) VCF-style: chr1-215847952-G-T.
Other names: short protein forms S4434*.
Identifiers: ClinVar variation 1723934 (VCV001723934.2), dbSNP rs2464896029, ClinGen allele CA344845802.